The following is an entry in ClinVar:

ClinVar aggregate classification (germline): Uncertain significance (1 of 4 stars; one submission).

Conditions:
Familial thoracic aortic aneurysm and aortic dissection (TAAD). Also called: Thoracic aortic aneurysms and dissections. Identifiers: Orphanet 91387, MedGen C4707243, MONDO:0019625.

Submission:

Ambry Genetics
Classification: Uncertain significance for Familial thoracic aortic aneurysm and aortic dissection. Last evaluated: 2026-07-19. Review status: criteria provided, single submitter. Criteria: Ambry Variant Classification Scheme 2023. Collection method: clinical testing. Allele origin: germline.
Comment: The p.G1304R variant (also known as c.3910G>A), located in coding exon 30 of the FBN2 gene, results from a G to A substitution at nucleotide position 3910. The glycine at codon 1304 is replaced by arginine, an amino acid with dissimilar properties. This amino acid position is conserved. In addition, this alteration is predicted to be deleterious by in silico analysis. Based on the available evidence, the clinical significance of this variant remains unclear.

NM_001999.4(FBN2):c.3910G>A (p.Gly1304Arg)

Gene: FBN2 (fibrillin 2; minus strand). Cytogenetic location: 5q23.3.
Variant type: single nucleotide variant.
Coding change: c.3910G>A on transcript NM_001999.4 (MANE Select); coding-DNA position 3910, G replaced by A.
Protein change: p.Gly1304Arg; replaces glycine 1304 with arginine.
Molecular consequence: missense variant.
Genome position (GRCh38, 1-based): chr5:128,335,233, C>T on the plus strand (G>A on the coding strand, the complement: FBN2 is on the minus strand). VCF-style: chr5-128335233-C-T. GRCh37 (hg19) VCF-style: chr5-127670925-C-T.
Other names: short protein forms G1304R.
Identifiers: ClinVar variation 5021628 (VCV005021628.1).